The following is an entry in ClinVar:

ClinVar aggregate classification (germline): Pathogenic/Likely pathogenic. Review status: criteria provided, multiple submitters, no conflicts (2 of 4 stars). 2 submissions from 2 submitters: Pathogenic (1); Likely pathogenic (1). Last evaluated 2024-03-25.

Conditions:
Autosomal recessive congenital ichthyosis 4B (ARCI4B). Also called: Harlequin Fetus; ICHTHYOSIS CONGENITA, HARLEQUIN FETUS TYPE; HARLEQUIN ICHTHYOSIS; Ichthyosis, congenital, autosomal recessive 4B (harlequin). Identifiers: Orphanet 457, MedGen C0598226, MONDO:0009443, OMIM 242500.
Autosomal recessive congenital ichthyosis 4A (LI2). Also called: ICHTHYOSIS CONGENITA IIB. Identifiers: Orphanet 313, MedGen C1832550, MONDO:0011026, OMIM 601277.

gnomAD v4.1: 1 of 1,614,032 alleles (0.000062%); no homozygotes.

Submissions (2):

Fulgent Genetics
Classification: Likely pathogenic for Autosomal recessive congenital ichthyosis 4B; Autosomal recessive congenital ichthyosis 4A. Last evaluated: 2024-03-25. Review status: criteria provided, single submitter. Criteria: ACMG Guidelines, 2015. Collection method: clinical testing. Allele origin: germline.

Labcorp Genetics (formerly Invitae), Labcorp
Classification: Pathogenic. Last evaluated: 2023-07-17. Review status: criteria provided, single submitter. Criteria: Invitae Variant Classification Sherloc (09022015). Collection method: clinical testing. Allele origin: germline.
Comment: This sequence change creates a premature translational stop signal (p.Gln1600*) in the ABCA12 gene. It is expected to result in an absent or disrupted protein product. Loss-of-function variants in ABCA12 are known to be pathogenic (PMID: 20672373). This variant is not present in population databases (gnomAD no frequency). This variant has not been reported in the literature in individuals affected with ABCA12-related conditions. For these reasons, this variant has been classified as Pathogenic.

Literature cited by the submitters: PubMed 20672373 (cited by Labcorp Genetics (formerly Invitae), Labcorp).

NM_173076.3(ABCA12):c.4798C>T (p.Gln1600Ter)

Gene: ABCA12 (ATP binding cassette subfamily A member 12; minus strand). Cytogenetic location: 2q35.
Variant type: single nucleotide variant.
Coding change: c.4798C>T on transcript NM_173076.3 (MANE Select); coding-DNA position 4798, C replaced by T.
Protein change: p.Gln1600Ter; replaces glutamine 1600 with a stop codon.
Molecular consequence: nonsense. On other transcripts: non-coding transcript variant (1).
Genome position (GRCh38, 1-based): chr2:214,978,983, G>A on the plus strand (C>T on the coding strand, the complement: ABCA12 is on the minus strand). VCF-style: chr2-214978983-G-A. GRCh37 (hg19) VCF-style: chr2-215843707-G-A.
Other names: c.3844C>T, p.Gln1282Ter (NM_015657.4); short protein forms Q1600*, Q1282*.
Identifiers: ClinVar variation 2970184 (VCV002970184.4), dbSNP rs1699587892, ClinGen allele CA350460253.